The following is an entry in ClinVar:

ClinVar aggregate classification (germline): Uncertain significance (1 of 4 stars; one submission).

Submission:

GeneDx
Classification: Uncertain significance. Last evaluated: 2025-04-28. Review status: criteria provided, single submitter. Criteria: GeneDx Variant Classification Process June 2021. Collection method: clinical testing. Allele origin: germline. Affected: yes.
Comment: Not observed at significant frequency in large population cohorts (gnomAD); In silico analysis indicates that this missense variant does not alter protein structure/function; Has not been previously published as pathogenic or benign to our knowledge

NM_002815.4(PSMD11):c.535G>T (p.Ala179Ser)

Gene: PSMD11 (proteasome 26S subunit, non-ATPase 11; plus strand). Cytogenetic location: 17q11.2.
Variant type: single nucleotide variant.
Coding change: c.535G>T on transcript NM_002815.4 (MANE Select); coding-DNA position 535, G replaced by T.
Protein change: p.Ala179Ser; replaces alanine 179 with serine.
Molecular consequence: missense variant.
Genome position (GRCh38, 1-based): chr17:32,469,085, G>T. VCF-style: chr17-32469085-G-T. GRCh37 (hg19) VCF-style: chr17-30796103-G-T.
Other names: c.535G>T, p.Ala179Ser (NM_001270482.2); short protein forms A179S.
Identifiers: ClinVar variation 4527053 (VCV004527053.1).